The following is an entry in ClinVar:

ClinVar aggregate classification (germline): Conflicting classifications of pathogenicity. Review status: criteria provided, conflicting classifications (1 of 4 stars). 3 submissions from 3 submitters: Pathogenic (1); Uncertain significance (1). 1 of the submissions does not count toward it. Last evaluated 2024-11-14.

Conditions:
Glutaric aciduria, type 1. Also called: Glutaric Acidemia Type 1; Glutaric acidemia type I; Glutaricaciduria, type I; Glutaryl-CoA dehydrogenase deficiency; GA I; Glutaricacidemia Type 1. Identifiers: Orphanet 25, MedGen C0268595, MONDO:0009281, OMIM 231670.

Allele frequency attached by ClinVar (database versions not stated): 1000 Genomes Project 0.00020; gnomAD exomes 0.00004 and 0.00003; gnomAD 0.00005 and 0.00004; TOPMed 0.00006; ESP Exome Variant Server 0.00015; 1000 Genomes Project 30x 0.00016; ExAC 0.00003.

Submissions (3):

Labcorp Genetics (formerly Invitae), Labcorp
Classification: Pathogenic for Glutaric aciduria, type 1. Last evaluated: 2024-11-14. Review status: criteria provided, single submitter. Criteria: Invitae Variant Classification Sherloc (09022015). Collection method: clinical testing. Allele origin: germline.
Comment: This sequence change replaces valine, which is neutral and non-polar, with alanine, which is neutral and non-polar, at codon 143 of the GCDH protein (p.Val143Ala). This variant is present in population databases (rs141456457, gnomAD 0.005%). This missense change has been observed in individual(s) with glutaric acidemia I (GA1) (internal data). In at least one individual the data is consistent with being in trans (on the opposite chromosome) from a pathogenic variant. ClinVar contains an entry for this variant (Variation ID: 92531). Invitae Evidence Modeling of protein sequence and biophysical properties (such as structural, functional, and spatial information, amino acid conservation, physicochemical variation, residue mobility, and thermodynamic stability) has been performed for this missense variant. However, the output from this modeling did not meet the statistical confidence thresholds required to predict the impact of this variant on GCDH protein function. For these reasons, this variant has been classified as Pathogenic.

Eurofins Ntd Llc (ga)
Classification: Uncertain significance. Last evaluated: 2017-12-22. Review status: criteria provided, single submitter. Criteria: EGL Classification Definitions 2015. Collection method: clinical testing. Allele origin: germline. Observed: 3 variant alleles, 3 heterozygotes.

Counsyl
Classification: Uncertain significance for Glutaric aciduria, type 1. Last evaluated: 2017-06-30. Review status: no assertion criteria provided. Collection method: clinical testing. Allele origin: unknown. Not counted in ClinVar's aggregate classification.

NM_000159.4(GCDH):c.428T>C (p.Val143Ala)

Gene: GCDH (glutaryl-CoA dehydrogenase; plus strand). Cytogenetic location: 19p13.13.
Variant type: single nucleotide variant.
Coding change: c.428T>C on transcript NM_000159.4 (MANE Select); coding-DNA position 428, T replaced by C.
Protein change: p.Val143Ala; replaces valine 143 with alanine.
Molecular consequence: missense variant. On other transcripts: non-coding transcript variant (2).
Genome position (GRCh38, 1-based): chr19:12,893,576, T>C. VCF-style: chr19-12893576-T-C. GRCh37 (hg19) VCF-style: chr19-13004390-T-C.
Other names: c.428T>C, p.Val143Ala (NM_013976.5); short protein forms V143A.
Identifiers: ClinVar variation 92531 (VCV000092531.16), dbSNP rs141456457, ClinGen allele CA220434.